The following is an entry in ClinVar:

ClinVar aggregate classification (germline): Uncertain significance. Review status: criteria provided, multiple submitters, no conflicts (2 of 4 stars). 2 submissions from 2 submitters: Uncertain significance (2). Last evaluated 2024-09-19.

Conditions:
Hereditary cancer-predisposing syndrome. Also called: Neoplastic Syndromes, Hereditary; Tumor predisposition; Hereditary neoplastic syndrome; Hereditary Cancer Syndrome. Identifiers: Orphanet 140162, MedGen C0027672, MeSH D009386, MONDO:0015356.
Gastrointestinal stromal tumor. Also called: Gastrointestinal stromal tumor, somatic; Gastrointestinal stroma tumor. Identifiers: Orphanet 44890, MedGen C0238198, MeSH D046152, MONDO:0011719, OMIM 606764, HP:0100723.

gnomAD v4.1: 1 of 1,614,160 alleles (0.000062%); highest among the groups gnomAD compares: South Asian, 0.0011%; no homozygotes.

Submissions (2):

Labcorp Genetics (formerly Invitae), Labcorp
Classification: Uncertain significance for Gastrointestinal stromal tumor. Last evaluated: 2024-09-19. Review status: criteria provided, single submitter. Criteria: Invitae Variant Classification Sherloc (09022015). Collection method: clinical testing. Allele origin: germline.
Comment: This sequence change replaces arginine, which is basic and polar, with glycine, which is neutral and non-polar, at codon 161 of the KIT protein (p.Arg161Gly). This variant is not present in population databases (gnomAD no frequency). This variant has not been reported in the literature in individuals affected with KIT-related conditions. An algorithm developed to predict the effect of missense changes on protein structure and function (PolyPhen-2) suggests that this variant is likely to be tolerated. In summary, the available evidence is currently insufficient to determine the role of this variant in disease. Therefore, it has been classified as a Variant of Uncertain Significance.

Ambry Genetics
Classification: Uncertain significance for Hereditary cancer-predisposing syndrome. Last evaluated: 2024-02-16. Review status: criteria provided, single submitter. Criteria: Ambry Variant Classification Scheme 2023. Collection method: clinical testing. Allele origin: germline.
Comment: The p.R161G variant (also known as c.481A>G), located in coding exon 3 of the KIT gene, results from an A to G substitution at nucleotide position 481. The arginine at codon 161 is replaced by glycine, an amino acid with dissimilar properties. This amino acid position is conserved. In addition, this alteration is predicted to be tolerated by in silico analysis. Based on the available evidence, the clinical significance of this alteration remains unclear.

NM_000222.3(KIT):c.481A>G (p.Arg161Gly)

Gene: KIT (KIT proto-oncogene, receptor tyrosine kinase; plus strand). Cytogenetic location: 4q12.
Variant type: single nucleotide variant.
Coding change: c.481A>G on transcript NM_000222.3 (MANE Select); coding-DNA position 481, A replaced by G.
Protein change: p.Arg161Gly; replaces arginine 161 with glycine.
Molecular consequence: missense variant.
Genome position (GRCh38, 1-based): chr4:54,698,427, A>G. VCF-style: chr4-54698427-A-G. GRCh37 (hg19) VCF-style: chr4-55564593-A-G.
Other names: c.481A>G, p.Arg161Gly (NM_001093772.2, NM_001385284.1, NM_001385285.1 and 4 more transcripts); short protein forms R161G.
Identifiers: ClinVar variation 2917571 (VCV002917571.4), dbSNP rs1577956931, ClinGen allele CA356897677.